The following is an entry in ClinVar:

ClinVar aggregate classification (germline): Uncertain significance. Review status: criteria provided, multiple submitters, no conflicts (2 of 4 stars). 2 submissions from 2 submitters: Uncertain significance (2). Last evaluated 2026-01-06.

Conditions:
GFM1-related disorder. Also called: GFM1-related condition.

Allele frequency attached by ClinVar (database versions not stated): 1000 Genomes Project 30x 0.00031; 1000 Genomes Project 0.00040.
gnomAD v4.1: 15 of 1,607,760 alleles (0.00093%); highest among the groups gnomAD compares: African/African-American, 0.016%; no homozygotes.

Submissions (2):

PreventionGenetics, part of Exact Sciences
Classification: Uncertain significance for GFM1-related condition. Last evaluated: 2026-01-06. Review status: criteria provided, single submitter. Criteria: ACMG Guidelines, 2015. Collection method: clinical testing. Allele origin: germline.
Comment: The GFM1 c.1441G>A variant is predicted to result in the amino acid substitution p.Asp481Asn. To our knowledge, this variant has not been reported in the literature. This variant is reported in 0.016% of alleles in individuals of African descent in gnomAD. At this time, the clinical significance of this variant is uncertain due to the absence of conclusive functional and genetic evidence.

Labcorp Genetics (formerly Invitae), Labcorp
Classification: Uncertain significance. Last evaluated: 2022-06-08. Review status: criteria provided, single submitter. Criteria: Invitae Variant Classification Sherloc (09022015). Collection method: clinical testing. Allele origin: germline.
Comment: This sequence change replaces aspartic acid, which is acidic and polar, with asparagine, which is neutral and polar, at codon 462 of the GFM1 protein (p.Asp462Asn). This variant is present in population databases (rs200244667, gnomAD 0.01%). This variant has not been reported in the literature in individuals affected with GFM1-related conditions. Advanced modeling of protein sequence and biophysical properties (such as structural, functional, and spatial information, amino acid conservation, physicochemical variation, residue mobility, and thermodynamic stability) performed at Invitae indicates that this missense variant is expected to disrupt GFM1 protein function. In summary, the available evidence is currently insufficient to determine the role of this variant in disease. Therefore, it has been classified as a Variant of Uncertain Significance.

NM_024996.7(GFM1):c.1384G>A (p.Asp462Asn)

Gene: GFM1 (G elongation factor mitochondrial 1; plus strand). Cytogenetic location: 3q25.32.
Variant type: single nucleotide variant.
Coding change: c.1384G>A on transcript NM_024996.7 (MANE Select); coding-DNA position 1384, G replaced by A.
Protein change: p.Asp462Asn; replaces aspartic acid 462 with asparagine.
Molecular consequence: missense variant. On other transcripts: non-coding transcript variant (4).
Genome position (GRCh38, 1-based): chr3:158,665,340, G>A. VCF-style: chr3-158665340-G-A. GRCh37 (hg19) VCF-style: chr3-158383129-G-A.
Other names: c.1441G>A (NM_001308164.1); c.1441G>A, p.Asp481Asn (NM_001308164.2); c.1384G>A, p.Asp462Asn (NM_001308166.2); c.1303G>A, p.Asp435Asn (NM_001374355.1); c.1267G>A, p.Asp423Asn (NM_001374356.1); c.1159G>A, p.Asp387Asn (NM_001374357.1); c.925G>A, p.Asp309Asn (NM_001374358.1); c.817G>A, p.Asp273Asn (NM_001374359.1, NM_001374360.1); and 1 more; short protein forms D435N, D423N, D234N, D273N, D462N, D309N, D387N, D481N.
Identifiers: ClinVar variation 2155156 (VCV002155156.2), dbSNP rs200244667, ClinGen allele CA2682648.